The following is an entry in ClinVar:

ClinVar aggregate classification (germline): Uncertain significance (1 of 4 stars; one submission).

Conditions:
Microcephaly, normal intelligence and immunodeficiency (NBS). Also called: Immunodeficiency, microcephaly with normal intelligence; Nijmegen breakage syndrome; Ataxia telangiectasia variant V1; SEEMANOVA SYNDROME II; BERLIN BREAKAGE SYNDROME; IMMUNODEFICIENCY, MICROCEPHALY, AND CHROMOSOMAL INSTABILITY. Identifiers: Orphanet 647, MedGen C0398791, MONDO:0009623, OMIM 251260.

Submission:

Labcorp Genetics (formerly Invitae), Labcorp
Classification: Uncertain significance for Microcephaly, normal intelligence and immunodeficiency. Last evaluated: 2021-10-06. Review status: criteria provided, single submitter. Criteria: Invitae Variant Classification Sherloc (09022015). Collection method: clinical testing. Allele origin: germline.
Comment: In summary, the available evidence is currently insufficient to determine the role of this variant in disease. Therefore, it has been classified as a Variant of Uncertain Significance. Variants that disrupt the consensus splice site are a relatively common cause of aberrant splicing (PMID: 17576681, 9536098). Algorithms developed to predict the effect of sequence changes on RNA splicing suggest that this variant may disrupt the consensus splice site. Algorithms developed to predict the effect of missense changes on protein structure and function are either unavailable or do not agree on the potential impact of this missense change (SIFT: "Tolerated"; PolyPhen-2: "Probably Damaging"; Align-GVGD: "Class C0"). This variant has not been reported in the literature in individuals affected with NBN-related conditions. This variant is not present in population databases (ExAC no frequency). This sequence change replaces glutamic acid with aspartic acid at codon 728 of the NBN protein (p.Glu728Asp). The glutamic acid residue is moderately conserved and there is a small physicochemical difference between glutamic acid and aspartic acid. This variant also falls at the last nucleotide of exon 14, which is part of the consensus splice site for this exon.

Literature cited by the submitters: PubMed 17576681; PubMed 9536098.

NM_002485.5(NBN):c.2184G>C (p.Glu728Asp)

Gene: NBN (nibrin; minus strand). Cytogenetic location: 8q21.3.
Variant type: single nucleotide variant.
Coding change: c.2184G>C on transcript NM_002485.5 (MANE Select); coding-DNA position 2184, G replaced by C.
Protein change: p.Glu728Asp; replaces glutamic acid 728 with aspartic acid.
Molecular consequence: missense variant.
Genome position (GRCh38, 1-based): chr8:89,943,253, C>G on the plus strand (G>C on the coding strand, the complement: NBN is on the minus strand). VCF-style: chr8-89943253-C-G. GRCh37 (hg19) VCF-style: chr8-90955481-C-G.
Other names: c.1938G>C, p.Glu646Asp (NM_001024688.3); short protein forms E728D, E646D.
Identifiers: ClinVar variation 960137 (VCV000960137.7), dbSNP rs1586034964, ClinGen allele CA371675245.